The following is an entry in ClinVar:

ClinVar aggregate classification (germline): Uncertain significance. Review status: criteria provided, multiple submitters, no conflicts (2 of 4 stars). 4 submissions from 4 submitters: Uncertain significance (4). Last evaluated 2022-06-02.

Conditions:
Hereditary cancer-predisposing syndrome. Also called: Tumor predisposition; Neoplastic Syndromes, Hereditary; Hereditary neoplastic syndrome; Hereditary Cancer Syndrome. Identifiers: Orphanet 140162, MedGen C0027672, MeSH D009386, MONDO:0015356.
Inborn genetic diseases. Identifiers: MedGen C0950123, MeSH D030342.
Xeroderma pigmentosum, group G (XPG). Also called: XERODERMA PIGMENTOSUM VII; XP, GROUP G; Xeroderma pigmentosum type 7; ERCC5-Related Xeroderma Pigmentosum. Identifiers: MedGen C0268141, MONDO:0010216, OMIM 278780.

Allele frequency attached by ClinVar (database versions not stated): gnomAD exomes 0.00003 and 0.00009; ExAC 0.00009; 1000 Genomes Project 30x 0.00016; 1000 Genomes Project 0.00020; gnomAD 0.00033 and 0.00037; TOPMed 0.00033; ESP Exome Variant Server 0.00038.

Submissions (4):

GeneDx
Classification: Uncertain significance. Last evaluated: 2022-06-02. Review status: criteria provided, single submitter. Criteria: GeneDx Variant Classification Process June 2021. Collection method: clinical testing. Allele origin: germline. Affected: yes.
Comment: In silico analysis supports that this missense variant has a deleterious effect on protein structure/function; Has not been previously published as pathogenic or benign to our knowledge; This variant is associated with the following publications: (PMID: 16111488)

Ambry Genetics
Classification: Uncertain significance for Inborn genetic diseases. Last evaluated: 2021-07-14. Review status: criteria provided, single submitter. Criteria: Ambry Variant Classification Scheme 2023. Collection method: clinical testing. Allele origin: germline.

Sema4
Classification: Uncertain significance for Hereditary cancer-predisposing syndrome. Last evaluated: 2021-04-23. Review status: criteria provided, single submitter. Criteria: Sema4 Curation Guidelines. Collection method: curation. Allele origin: germline.
Comment: To the best of our knowledge, the ERCC5 c.932C>G (p.S311C) variant has not been reported in individuals with ERCC5-related disease. It was observed in 26/24958 chromosomes of the African/African American subpopulation, with no homozygotes, in the large and broad cohorts of the Genome Aggregation Database. The variant has been reported in ClinVar (Variation ID 883414). In silico tools suggest the impact of the variant on protein function is benign, though these predictions have not been confirmed by functional studies. The evidence is insufficient to meet ACMG/AMP criteria for classifying the variant as benign or pathogenic. Thus, the clinical significance of this variant is currently uncertain.

Illumina Laboratory Services, Illumina
Classification: Uncertain significance for Xeroderma pigmentosum, group G. Last evaluated: 2017-04-27. Review status: criteria provided, single submitter. Criteria: ICSL Variant Classification Criteria 13 December 2019. Collection method: clinical testing. Allele origin: germline.

NM_000123.4(ERCC5):c.932C>G (p.Ser311Cys)

Genes: BIVM-ERCC5 (BIVM-ERCC5 readthrough; plus strand), ERCC5 (ERCC excision repair 5, endonuclease; plus strand). Cytogenetic location: 13q33.1.
Variant type: single nucleotide variant.
Coding change: c.932C>G on transcript NM_000123.4 (MANE Select); coding-DNA position 932, C replaced by G.
Protein change: p.Ser311Cys; replaces serine 311 with cysteine.
Molecular consequence: missense variant.
Genome position (GRCh38, 1-based): chr13:102,862,081, C>G. VCF-style: chr13-102862081-C-G. GRCh37 (hg19) VCF-style: chr13-103514431-C-G.
Other names: c.2294C>G, p.Ser765Cys (NM_001204425.2); short protein forms S765C, S311C.
Identifiers: ClinVar variation 883414 (VCV000883414.8), dbSNP rs2307491, ClinGen allele CA7041316.
Genomic context (GRCh38, chr13:102,862,081, plus strand): 5'-CTTCTTAAGGTATTCAAGCTAAGACAGTTGCAGAAGTGGATTCAGAGTCTCTTCCTTCTT[C>G]CAGCAAAATGCACGGCATGTCTTTTGACGTGAAGTCATCTCCATGTGAAAAACTGAAGAC-3'
Protein context (NP_000114.3, residues 301-321): AEVDSESLPS[Ser311Cys]SKMHGMSFDV